The following is an entry in ClinVar:

ClinVar aggregate classification (germline): Likely pathogenic (1 of 4 stars; one submission).

Conditions:
Hypertrophic cardiomyopathy 9. Also called: Familial hypertrophic cardiomyopathy 9. Identifiers: MedGen C1861065, MONDO:0013412, OMIM 613765.
Myopathy, myofibrillar, 9, with early respiratory failure (MFM9). Also called: Hereditary myopathy with early respiratory failure; EDSTROM MYOPATHY; MYOPATHY, PROXIMAL, WITH EARLY RESPIRATORY MUSCLE INVOLVEMENT; Myopathy, distal, with early respiratory failure, autosomal dominant. Identifiers: Orphanet 178464, Orphanet 34521, MedGen C1863599, MONDO:0011362, OMIM 603689.
Early-onset myopathy with fatal cardiomyopathy (CMYO5). Also called: CONGENITAL MYOPATHY 5 WITH CARDIOMYOPATHY; Salih Myopathy. Identifiers: Orphanet 289377, MedGen C2673677, MONDO:0012714, OMIM 611705. Disease mechanism: loss of function.
Autosomal recessive limb-girdle muscular dystrophy type 2J (LGMDR10). Also called: Limb-girdle muscular dystrophy, type 2J; MUSCULAR DYSTROPHY, LIMB-GIRDLE, AUTOSOMAL RECESSIVE 10. Identifiers: Orphanet 140922, MedGen C1837342, MONDO:0012127, OMIM 608807.
Dilated cardiomyopathy 1G (CMD1G). Identifiers: Orphanet 154, MedGen C1858763, MONDO:0011400, OMIM 604145.
Tibial muscular dystrophy (TMD). Also called: UDD MYOPATHY; Udd Distal Myopathy – Tibial Muscular Dystrophy; Tibial muscular dystrophy, tardive. Identifiers: Orphanet 609, MedGen C1838244, MONDO:0010870, OMIM 600334.

Submission:

Juno Genomics, Hangzhou Juno Genomics, Inc
Classification: Likely pathogenic for Early-onset myopathy with fatal cardiomyopathy; Dilated cardiomyopathy 1G; Hypertrophic cardiomyopathy 9; Autosomal recessive limb-girdle muscular dystrophy type 2J; Myopathy, myofibrillar, 9, with early respiratory failure; Tibial muscular dystrophy. Review status: criteria provided, single submitter. Criteria: ACMG Guidelines, 2015. Collection method: clinical testing. Allele origin: germline.
Comment: Null variant in a gene where loss of function (LOF) is a known mechanism of disease.;Absent from controls (or at extremely low frequency if recessive) in Genome Aggregation Database.

NM_001267550.2(TTN):c.50955_50958dup (p.Ser16987delinsCysTer)

Genes: TTN (titin; minus strand), TTN-AS1 (TTN antisense RNA 1; plus strand). Cytogenetic location: 2q31.2.
Variant type: Duplication.
Coding change: c.50955_50958dup on transcript NM_001267550.2 (MANE Select); coding-DNA positions 50955 to 50958, 4 bases duplicated (TGTT; older notation c.50955_50958dupTGTT).
Protein change: p.Ser16987delinsCysTer.
Molecular consequence: nonsense.
Genome position (GRCh38, 1-based): chr2:178,611,171-178,611,174, AACA duplicated on the plus strand (TGTT on the coding strand, the reverse complement: TTN is on the minus strand). VCF-style (leftmost placement, unchanged base first): chr2-178611170-T-TAACA. GRCh37 (hg19) VCF-style: chr2-179475897-T-TAACA.
Other names: c.46032_46035dup, p.Ser15346delinsCysTer (NM_001256850.1); c.23760_23763dup, p.Ser7922delinsCysTer (NM_003319.4); c.43251_43254dup, p.Ser14419delinsCysTer (NM_133378.4); c.24135_24138dup, p.Ser8047delinsCysTer (NM_133432.3); c.24336_24339dup, p.Ser8114delinsCysTer (NM_133437.4).
Identifiers: ClinVar variation 5006149 (VCV005006149.2).